The following is an entry in ClinVar:

ClinVar aggregate classification (germline): Uncertain significance (1 of 4 stars; one submission).

Conditions:
Focal segmental glomerulosclerosis (FSGS). Also called: Glomerulosclerosis, focal; Focal sclerosis with hyalinosis. Identifiers: MedGen C0017668, MONDO:0100313, HP:0000097. Disease mechanism: loss of function.

Submission:

Institute of Human Genetics, University of Leipzig Medical Center
Classification: Uncertain significance for Focal segmental glomerulosclerosis. Last evaluated: 2026-01-12. Review status: criteria provided, single submitter. Criteria: ACMG Guidelines, 2015. Collection method: clinical testing. Allele origin: unknown. Inheritance: Autosomal dominant inheritance. Affected: yes.
Comment: Criteria applied: PVS1_STR,PM2_SUP

NM_001018111.3(PODXL):c.1138_1142del (p.Ile380fs)

Gene: PODXL (podocalyxin like; minus strand). Cytogenetic location: 7q32.3.
Variant type: Deletion.
Coding change: c.1138_1142del on transcript NM_001018111.3 (MANE Select); coding-DNA positions 1138 to 1142, 5 bases deleted (ATATG; older notation c.1138_1142delATATG).
Protein change: p.Ile380fs; shifts the reading frame from isoleucine 380.
Molecular consequence: frameshift variant.
Genome position (GRCh38, 1-based): chr7:131,506,686-131,506,690, CATAT deleted on the plus strand (ATATG on the coding strand, the reverse complement: PODXL is on the minus strand); deleting any 5 consecutive bases within chr7:131,506,686-131,506,692 gives the same sequence; the c. name uses the placement nearest the transcript's 3' end. VCF-style (leftmost placement, unchanged base first): chr7-131506685-GCATAT-G. GRCh37 (hg19) VCF-style: chr7-131191444-GCATAT-G.
Other names: c.1042_1046del, p.Ile348fs (NM_005397.4); short protein forms I348fs, I380fs.
Identifiers: ClinVar variation 4819115 (VCV004819115.1).